The following is an entry in ClinVar:

ClinVar aggregate classification (germline): Uncertain significance (1 of 4 stars; one submission).

Conditions:
Cardiovascular phenotype. Identifiers: MedGen CN230736.

Submission:

Ambry Genetics
Classification: Uncertain significance for Cardiovascular phenotype. Last evaluated: 2025-11-06. Review status: criteria provided, single submitter. Criteria: Ambry Variant Classification Scheme 2023. Collection method: clinical testing. Allele origin: germline.
Comment: The c.9730-3C>T intronic variant results from a C to T substitution 3 nucleotides upstream from coding exon 41 in the AKAP9 gene. This nucleotide position is poorly conserved in available vertebrate species. In silico splice site analysis predicts that this alteration will not have any significant effect on splicing. The evidence for this gene-disease relationship is limited; therefore, the clinical significance of this alteration is unclear.

NM_005751.5(AKAP9):c.9730-3C>T

Gene: AKAP9 (A-kinase anchoring protein 9; plus strand). Cytogenetic location: 7q21.2.
Variant type: single nucleotide variant.
Coding change: c.9730-3C>T on transcript NM_005751.5 (MANE Select); 3 bases into the intron before coding-DNA position 9730, C replaced by T.
Molecular consequence: intron variant.
Genome position (GRCh38, 1-based): chr7:92,096,686, C>T. VCF-style: chr7-92096686-C-T. GRCh37 (hg19) VCF-style: chr7-91726000-C-T.
Other names: c.9706-3C>T (NM_147185.3); c.4375-3C>T (NM_001379277.1).
Identifiers: ClinVar variation 1768023 (VCV001768023.3), dbSNP rs1816641928, ClinGen allele CA1725760423.